The following is an entry in ClinVar:

NM_032578.4(MYPN):c.1483+6G>C

Gene: MYPN (myopalladin; plus strand). Cytogenetic location: 10q21.3.
Variant type: single nucleotide variant.
Coding change: c.1483+6G>C on transcript NM_032578.4 (MANE Select); 6 bases into the intron after coding-DNA position 1483, G replaced by C.
Molecular consequence: intron variant.
Genome position (GRCh38, 1-based): chr10:68,161,758, G>C. VCF-style: chr10-68161758-G-C. GRCh37 (hg19) VCF-style: chr10-69921515-G-C.
Other names: c.1483+6G>C (NM_001256267.2); c.601+6G>C (NM_001256268.2).
Identifiers: ClinVar variation 839129 (VCV000839129.7), dbSNP rs775382618, ClinGen allele CA5522566.

ClinVar aggregate classification (germline): Conflicting classifications of pathogenicity. Review status: criteria provided, conflicting classifications (1 of 4 stars). 2 submissions from 2 submitters: Uncertain significance (1); Likely benign (1). Last evaluated 2022-06-08.

Conditions:
Dilated cardiomyopathy 1KK (CMD1KK). Identifiers: Orphanet 154, Orphanet 75249, MedGen C3714995, MONDO:0014100, OMIM 615248.

Allele frequency attached by ClinVar (database versions not stated): gnomAD 0.00002; TOPMed 0.00002; ExAC 0.00007.
gnomAD v4.1: 21 of 1,606,962 alleles (0.0013%); highest among the groups gnomAD compares: Admixed American, 0.032%; no homozygotes.

Submissions (2):

Labcorp Genetics (formerly Invitae), Labcorp
Classification: Uncertain significance for Dilated cardiomyopathy 1KK. Last evaluated: 2022-06-08. Review status: criteria provided, single submitter. Criteria: Invitae Variant Classification Sherloc (09022015). Collection method: clinical testing. Allele origin: germline.
Comment: This sequence change falls in intron 8 of the MYPN gene. It does not directly change the encoded amino acid sequence of the MYPN protein. It affects a nucleotide within the consensus splice site. This variant is present in population databases (rs775382618, gnomAD 0.04%). This variant has not been reported in the literature in individuals affected with MYPN-related conditions. ClinVar contains an entry for this variant (Variation ID: 839129). Variants that disrupt the consensus splice site are a relatively common cause of aberrant splicing (PMID: 17576681, 9536098). Algorithms developed to predict the effect of sequence changes on RNA splicing suggest that this variant is not likely to affect RNA splicing. In summary, the available evidence is currently insufficient to determine the role of this variant in disease. Therefore, it has been classified as a Variant of Uncertain Significance.

GeneDx
Classification: Likely benign. Last evaluated: 2019-01-24. Review status: criteria provided, single submitter. Criteria: GeneDx Variant Classification Process June 2021. Collection method: clinical testing. Allele origin: germline. Affected: yes.

Literature cited by the submitters: PubMed 17576681 (cited by Labcorp Genetics (formerly Invitae), Labcorp); PubMed 9536098 (cited by Labcorp Genetics (formerly Invitae), Labcorp).